The following is an entry in ClinVar:

ClinVar aggregate classification (germline): Conflicting classifications of pathogenicity. Review status: criteria provided, conflicting classifications (1 of 4 stars). 4 submissions from 4 submitters: Uncertain significance (3); Likely benign (1). Last evaluated 2025-10-19.

Conditions:
Familial thoracic aortic aneurysm and aortic dissection (TAAD). Also called: Thoracic aortic aneurysms and dissections. Identifiers: Orphanet 91387, MedGen C4707243, MONDO:0019625.
Congenital contractural arachnodactyly (CCA). Also called: Beals-Hecht syndrome; BEALS SYNDROME; Arthrogryposis, distal, type 9. Identifiers: Orphanet 115, MedGen C0220668, MONDO:0007363, OMIM 121050.

Allele frequency attached by ClinVar (database versions not stated): TOPMed 0.00001; gnomAD exomes 0.00002; ExAC 0.00002.

Submissions (4):

Labcorp Genetics (formerly Invitae), Labcorp
Classification: Likely benign for Congenital contractural arachnodactyly. Last evaluated: 2025-10-19. Review status: criteria provided, single submitter. Criteria: Invitae Variant Classification Sherloc (09022015). Collection method: clinical testing. Allele origin: germline.

GeneDx
Classification: Uncertain significance. Last evaluated: 2024-09-10. Review status: criteria provided, single submitter. Criteria: GeneDx Variant Classification Process June 2021. Collection method: clinical testing. Allele origin: germline.
Comment: Has not been previously published as pathogenic or benign to our knowledge; Not observed at significant frequency in large population cohorts (gnomAD); In silico analysis indicates that this missense variant does not alter protein structure/function

Ambry Genetics
Classification: Uncertain significance for Familial thoracic aortic aneurysm and aortic dissection. Last evaluated: 2023-10-20. Review status: criteria provided, single submitter. Criteria: Ambry Variant Classification Scheme 2023. Collection method: clinical testing. Allele origin: germline.
Comment: The p.A1031V variant (also known as c.3092C>T), located in coding exon 24 of the FBN2 gene, results from a C to T substitution at nucleotide position 3092. The alanine at codon 1031 is replaced by valine, an amino acid with similar properties. This amino acid position is not well conserved in available vertebrate species. In addition, the in silico prediction for this alteration is inconclusive. Since supporting evidence is limited at this time, the clinical significance of this alteration remains unclear.

ARUP Laboratories, Molecular Genetics and Genomics, ARUP Laboratories
Classification: Uncertain significance. Last evaluated: 2023-04-17. Review status: criteria provided, single submitter. Criteria: ARUP Molecular Germline Variant Investigation Process 2024. Collection method: clinical testing. Allele origin: germline.
Comment: The FBN2 c.3092C>T; p.Ala1031Val variant (rs754884110), to our knowledge, is not reported in the medical literature but is reported in ClinVar (Variation ID: 998417). This variant is found in the general population with an overall allele frequency of 0.0016% (4/251,448 alleles) in the Genome Aggregation Database. Computational analyses are uncertain whether this variant is neutral or deleterious (REVEL: 0.605). Due to limited information, the clinical significance of this variant is uncertain at this time.

NM_001999.4(FBN2):c.3092C>T (p.Ala1031Val)

Genes: FBN2 (fibrillin 2; minus strand), LOC126807501 (BRD4-independent group 4 enhancer GRCh37_chr5:127680731-127681930; plus strand). Cytogenetic location: 5q23.3.
Variant type: single nucleotide variant.
Coding change: c.3092C>T on transcript NM_001999.4 (MANE Select); coding-DNA position 3092, C replaced by T.
Protein change: p.Ala1031Val; replaces alanine 1031 with valine.
Molecular consequence: missense variant.
Genome position (GRCh38, 1-based): chr5:128,345,482, G>A on the plus strand (C>T on the coding strand, the complement: FBN2 is on the minus strand). VCF-style: chr5-128345482-G-A. GRCh37 (hg19) VCF-style: chr5-127681174-G-A.
Other names: short protein forms A1031V.
Identifiers: ClinVar variation 998417 (VCV000998417.19), dbSNP rs754884110, ClinGen allele CA3395330.